The following is an entry in ClinVar:

NM_015338.6(ASXL1):c.176T>C (p.Met59Thr)

Gene: ASXL1 (ASXL transcriptional regulator 1; plus strand). Cytogenetic location: 20q11.21.
Variant type: single nucleotide variant.
Coding change: c.176T>C on transcript NM_015338.6 (MANE Select); coding-DNA position 176, T replaced by C.
Protein change: p.Met59Thr; replaces methionine 59 with threonine.
Molecular consequence: missense variant.
Genome position (GRCh38, 1-based): chr20:32,369,047, T>C. VCF-style: chr20-32369047-T-C. GRCh37 (hg19) VCF-style: chr20-30956850-T-C.
Other names: c.176T>C, p.Met59Thr (NM_001164603.1); c.146T>C, p.Met49Thr (NM_001363734.1); short protein forms M49T, M59T.
Identifiers: ClinVar variation 3956596 (VCV003956596.1).

ClinVar aggregate classification (germline): Uncertain significance (1 of 4 stars; one submission).

Conditions:
Inborn genetic diseases. Identifiers: MedGen C0950123, MeSH D030342.

Submission:

Ambry Genetics
Classification: Uncertain significance for Inborn genetic diseases. Last evaluated: 2025-05-02. Review status: criteria provided, single submitter. Criteria: Ambry Variant Classification Scheme 2023. Collection method: clinical testing. Allele origin: germline.
Comment: The p.M59T variant (also known as c.176T>C), located in coding exon 4 of the ASXL1 gene, results from a T to C substitution at nucleotide position 176. The methionine at codon 59 is replaced by threonine, an amino acid with similar properties. This amino acid position is conserved. In addition, this alteration is predicted to be deleterious by in silico analysis. Based on the available evidence, the clinical significance of this variant remains unclear.